The following continues an entry in ClinVar:

NM_000023.4(SGCA):c.739G>A (p.Val247Met)

Gene: SGCA. ClinVar aggregate classification (germline): Pathogenic. Pathogenic (1).

Submissions 25 to 28 of 28:

Broad Center for Mendelian Genomics, Broad Institute of MIT and Harvard
Classification: Pathogenic for Autosomal recessive limb-girdle muscular dystrophy type 2D. Last evaluated: 2018-12-03. Review status: criteria provided, single submitter. Criteria: ACMG Guidelines, 2015. Collection method: research. Allele origin: germline. Inheritance: Autosomal recessive inheritance. Affected: yes. Not counted in ClinVar's aggregate classification.
Comment: The heterozygous p.Val247Met variant in SGCA was identified by our study in two unrelated individuals in the compound heterozygous state, with another pathogenic variant, in individuals with limb-girdle muscular dystrophy (LGMD). This variant has been identified in 0.02379% (30/126108) of European (non-Finnish) chromosomes, in 0.005816% (2/34386) of Latino chromosomes, and 0.004167% (1/23998) of African chromosomes in the Genome Aggregation Database (gnomAD; dbSNP rs143570936). Although this variant has been seen in the general population, its frequency is low enough to be consistent with a recessive carrier frequency. The p.Val247Met variant in SGCA has been reported in many individuals with Limb-Girdle Muscular Dystrophy and segregated with disease in 2 affected relatives from 1 family (PMID: 15298081). the presence of this variant in combination with a reported pathogenic variant and in an individual with Limb-Girdle Musclar Dystrophy increases the likelihood that the p.Val247Met variant is pathogenic. Computational prediction tools and conservation analyses do not provide strong support for or against an impact to the protein. Functional assays provide some evidence that the p.Val247Met variant may impact protein function by reducing protein localization to the membrane and expression in the muscle tissue (PMID: 15298081, 22095924). However, these types of assays may not accurately represent biological function. This variant has also been reported pathogenic and likely pathogenic in ClinVar (Variation ID: 167677). In summary, the p.Val247Met variant is pathogenic based off of our findings, multiple reports in ClinVar, and the literature. ACMG/AMP Criteria applied: PS3, PM3_Strong, PM2, PP1 (Richards 2015).

Illumina Laboratory Services, Illumina
Classification: Pathogenic for Sarcoglycanopathies. Last evaluated: 2018-09-07. Review status: criteria provided, single submitter. Criteria: ICSL Variant Classification Criteria 09 May 2019. Collection method: clinical testing. Allele origin: germline. Not counted in ClinVar's aggregate classification.
Comment: Across a selection of available literature, the SGCA c.739G>A (p.Val247Met) variant has been identified in a homozygous state in two probands, in a compound heterozygous state in at least 11 probands, and in a heterozygous state in three probands in whom a second variant was not identified (Piccolo et al. 1995; Eymard et al. 1997; Crosbie et al. 2000; Moreira et al. 2003; Klinge et al. 2008; Guglieri et al. 2008; Trabelsi et al. 2008; Mendell et al. 2010). Control data are not available for this variant, which is reported at a frequency of 0.000238 in the European (non-Finnish) population of the Genome Aggregation Database. Functional studies in HEK293 cells demonstrated that the p.Val247Met variant increases ubiquitination and degradation of alpha-sarcoglycan via the E3 ligase HRD1, and inhibition of this pathway in myotubes derived from a limb-girdle muscular dystrophy type 2D patient carrying the p.Val247Met variant rescued alpha-sarcoglycan expression at the cell membrane (Bianchini et al. 2014). Based on the collective evidence, the p.Val247Met variant is classified as pathogenic for alpha-sarcoglycanopathy. This variant was observed by ICSL as part of a predisposition screen in an ostensibly healthy population.

Eurofins Ntd Llc (ga)
Classification: Pathogenic. Last evaluated: 2016-01-08. Review status: criteria provided, single submitter. Criteria: EGL Classification Definitions. Collection method: clinical testing. Allele origin: germline. Observed: 9 variant alleles, 9 heterozygotes. Not counted in ClinVar's aggregate classification.

Clinical Genetics Service, Universitary Hospital 12 de Octubre
Classification: Pathogenic for Autosomal recessive limb-girdle muscular dystrophy type 2D. Review status: criteria provided, single submitter. Criteria: ACMG Guidelines, 2015. Collection method: clinical testing. Allele origin: germline. Affected: yes. Not counted in ClinVar's aggregate classification.

Literature cited by the submitters: PubMed 7663524 (cited by 6 submitters); PubMed 9192266 (cited by 3 submitters); PubMed 18285821 (cited by 4 submitters); PubMed 25135358 (cited by 3 submitters); PubMed 25214167 (cited by 3 submitters); PubMed 26404900 (cited by 5 submitters); PubMed 26453141 (cited by 3 submitters); PubMed 26934379 (cited by Labcorp Genetics (formerly Invitae), Labcorp and Dasa); PubMed 18535179 (cited by 6 submitters); PubMed 22095924 (cited by 6 submitters); PubMed 10204782 (cited by Natera, Inc.); PubMed 18996010 (cited by 3 submitters); PubMed 24565866 (cited by 3 submitters); PubMed 12566530 (cited by 3 submitters); PubMed 27848944 (cited by Myriad Genetics, Inc.); PubMed 30919934 (cited by Myriad Genetics, Inc. and Athena Diagnostics); PubMed 31953240 (cited by Myriad Genetics, Inc.); PubMed 34281632 (cited by Myriad Genetics, Inc.); PubMed 37273706 (cited by Myriad Genetics, Inc.); PubMed 10942431 (cited by Athena Diagnostics and Illumina Laboratory Services, Illumina); PubMed 15298081 (cited by Athena Diagnostics and Broad Center for Mendelian Genomics, Broad Institute of MIT and Harvard); PubMed 17994539 (cited by Athena Diagnostics and Illumina Laboratory Services, Illumina); PubMed 21031578 (cited by Athena Diagnostics and Illumina Laboratory Services, Illumina); PubMed 9153448 (cited by Athena Diagnostics and Illumina Laboratory Services, Illumina); PubMed 31407473 (cited by Athena Diagnostics); PubMed 31517061 (cited by Athena Diagnostics).